The following is an entry in ClinVar:

ClinVar aggregate classification (germline): Pathogenic. Review status: criteria provided, multiple submitters, no conflicts (2 of 4 stars). 6 submissions from 4 submitters: Pathogenic (6). Last evaluated 2025-11-24.

Conditions:
Retinitis pigmentosa 12 (RP12). Also called: RP WITH OR WITHOUT PPRPE; RP WITH OR WITHOUT PRESERVED PARAARTERIOLE RETINAL PIGMENT EPITHELIUM; RETINITIS PIGMENTOSA WITH OR WITHOUT PARAARTERIOLAR PRESERVATION OF RETINAL PIGMENT EPITHELIUM. Identifiers: Orphanet 791, MedGen C1838647, MONDO:0010818, OMIM 600105.
Leber congenital amaurosis 8 (LCA8). Identifiers: Orphanet 65, MedGen C3151202, MONDO:0013453, OMIM 613835.
Pigmented paravenous retinochoroidal atrophy. Identifiers: Orphanet 251295, MedGen C1868310, MONDO:0008246, OMIM 172870.

gnomAD v4.1: 1 of 1,613,358 alleles (0.000062%); highest among the groups gnomAD compares: East Asian, 0.0022%; no homozygotes.

Submissions (6):

Labcorp Genetics (formerly Invitae), Labcorp
Classification: Pathogenic for Leber congenital amaurosis 8; Retinitis pigmentosa 12. Last evaluated: 2025-11-24. Review status: criteria provided, single submitter. Criteria: Invitae Variant Classification Sherloc (09022015). Collection method: clinical testing. Allele origin: germline.
Comment: This sequence change affects an acceptor splice site in intron 11 of the CRB1 gene. While this variant is not anticipated to result in nonsense mediated decay, it likely alters RNA splicing and results in a disrupted protein product. This variant is present in population databases (no rsID available, gnomAD 0.006%). Disruption of this splice site has been observed in individual(s) with autosomal recessive inherited retinal dystrophy (PMID: 20683928, 24512366). In at least one individual the data is consistent with being in trans (on the opposite chromosome) from a pathogenic variant. ClinVar contains an entry for this variant (Variation ID: 1076902). Variants that disrupt the consensus splice site are a relatively common cause of aberrant splicing (PMID: 17576681, 9536098). Algorithms developed to predict the effect of sequence changes on RNA splicing suggest that this variant may disrupt the consensus splice site. For these reasons, this variant has been classified as Pathogenic.

Fulgent Genetics
Classification: Pathogenic for Pigmented paravenous retinochoroidal atrophy; Retinitis pigmentosa 12; Leber congenital amaurosis 8. Last evaluated: 2024-03-08. Review status: criteria provided, single submitter. Criteria: ACMG Guidelines, 2015. Collection method: clinical testing. Allele origin: germline.

Baylor Genetics
Classification: Pathogenic for Leber congenital amaurosis 8. Last evaluated: 2023-09-09. Review status: criteria provided, single submitter. Criteria: ACMG Guidelines, 2015. Collection method: clinical testing. Allele origin: unknown.

Genome-Nilou Lab
Classification: Pathogenic for Leber congenital amaurosis 8. Last evaluated: 2023-04-11. Review status: criteria provided, single submitter. Criteria: ACMG Guidelines, 2015. Collection method: clinical testing. Allele origin: germline. Affected: no.

Genome-Nilou Lab
Classification: Pathogenic for Pigmented paravenous retinochoroidal atrophy. Last evaluated: 2023-04-11. Review status: criteria provided, single submitter. Criteria: ACMG Guidelines, 2015. Collection method: clinical testing. Allele origin: germline. Affected: no.

Genome-Nilou Lab
Classification: Pathogenic for Retinitis pigmentosa 12. Last evaluated: 2023-04-11. Review status: criteria provided, single submitter. Criteria: ACMG Guidelines, 2015. Collection method: clinical testing. Allele origin: germline. Affected: no.

Literature cited by the submitters: PubMed 20683928 (cited by Labcorp Genetics (formerly Invitae), Labcorp); PubMed 24512366 (cited by Labcorp Genetics (formerly Invitae), Labcorp); PubMed 17576681 (cited by Labcorp Genetics (formerly Invitae), Labcorp); PubMed 9536098 (cited by Labcorp Genetics (formerly Invitae), Labcorp).

NM_201253.3(CRB1):c.4006-1G>T

Gene: CRB1 (crumbs cell polarity complex component 1; plus strand). Cytogenetic location: 1q31.3.
Variant type: single nucleotide variant.
Coding change: c.4006-1G>T on transcript NM_201253.3 (MANE Select); the canonical splice acceptor site of the intron before coding-DNA position 4006, G replaced by T.
Molecular consequence: splice acceptor variant.
Genome position (GRCh38, 1-based): chr1:197,477,663, G>T. VCF-style: chr1-197477663-G-T. GRCh37 (hg19) VCF-style: chr1-197446793-G-T.
Other names: c.3934-1G>T (NM_001257965.2); c.2398-1G>T (NM_001257966.2); c.3670-1G>T (NM_001193640.2).
Identifiers: ClinVar variation 1076902 (VCV001076902.11), dbSNP rs752804194, ClinGen allele CA344035365.